The following is an entry in ClinVar:

NM_145020.5(CFAP53):c.1033T>C (p.Tyr345His)

Gene: CFAP53 (cilia and flagella associated protein 53; minus strand). Cytogenetic location: 18q21.1.
Variant type: single nucleotide variant.
Coding change: c.1033T>C on transcript NM_145020.5 (MANE Select); coding-DNA position 1033, T replaced by C.
Protein change: p.Tyr345His; replaces tyrosine 345 with histidine.
Molecular consequence: missense variant.
Genome position (GRCh38, 1-based): chr18:50,243,080, A>G on the plus strand (T>C on the coding strand, the complement: CFAP53 is on the minus strand). VCF-style: chr18-50243080-A-G. GRCh37 (hg19) VCF-style: chr18-47769450-A-G.
Other names: short protein forms Y345H.
Identifiers: ClinVar variation 957789 (VCV000957789.9), dbSNP rs2033707564, ClinGen allele CA402438318.

ClinVar aggregate classification (germline): Uncertain significance. Review status: criteria provided, multiple submitters, no conflicts (2 of 4 stars). 2 submissions from 2 submitters: Uncertain significance (2). Last evaluated 2025-01-21.

Conditions:
Heterotaxy, visceral, 6, autosomal (HTX6). Also called: Heterotaxy, visceral, 6, autosomal recessive. Identifiers: Orphanet 450, MedGen C3553676, MONDO:0013887, OMIM 614779.
Inborn genetic diseases. Identifiers: MedGen C0950123, MeSH D030342.

Allele frequency attached by ClinVar (database versions not stated): gnomAD exomes below 0.00001.
gnomAD v4.1: 2 of 1,613,084 alleles (0.00012%); highest among the groups gnomAD compares: Non-Finnish European, 0.00017%; no homozygotes.

Submissions (2):

Ambry Genetics
Classification: Uncertain significance for Inborn genetic diseases. Last evaluated: 2025-01-21. Review status: criteria provided, single submitter. Criteria: Ambry Variant Classification Scheme 2023. Collection method: clinical testing. Allele origin: germline.

Labcorp Genetics (formerly Invitae), Labcorp
Classification: Uncertain significance for Heterotaxy, visceral, 6, autosomal. Last evaluated: 2019-10-04. Review status: criteria provided, single submitter. Criteria: Invitae Variant Classification Sherloc (09022015). Collection method: clinical testing. Allele origin: germline.
Comment: This sequence change replaces tyrosine with histidine at codon 345 of the CFAP53 protein (p.Tyr345His). The tyrosine residue is highly conserved and there is a moderate physicochemical difference between tyrosine and histidine. This variant is not present in population databases (ExAC no frequency). This variant has not been reported in the literature in individuals with CFAP53-related conditions. Algorithms developed to predict the effect of missense changes on protein structure and function (SIFT, PolyPhen-2, Align-GVGD) all suggest that this variant is likely to be disruptive, but these predictions have not been confirmed by published functional studies and their clinical significance is uncertain. In summary, the available evidence is currently insufficient to determine the role of this variant in disease. Therefore, it has been classified as a Variant of Uncertain Significance.